The following is an entry in ClinVar:

ClinVar aggregate classification (germline): Uncertain significance. Review status: criteria provided, multiple submitters, no conflicts (2 of 4 stars). 4 submissions from 4 submitters: Uncertain significance (3). 1 of the submissions does not count toward it. Last evaluated 2026-01-23.

Conditions:
FBLN1-related disorder. Also called: FBLN1-related condition.

Allele frequency attached by ClinVar (database versions not stated): gnomAD 0.00006 and 0.00008; TOPMed 0.00007; gnomAD exomes 0.00015 and 0.00022; ExAC 0.00023.

Submissions (4):

Labcorp Genetics (formerly Invitae), Labcorp
Classification: Uncertain significance. Last evaluated: 2026-01-23. Review status: criteria provided, single submitter. Criteria: Invitae Variant Classification Sherloc (09022015). Collection method: clinical testing. Allele origin: germline.
Comment: This sequence change replaces valine, which is neutral and non-polar, with methionine, which is neutral and non-polar, at codon 338 of the FBLN1 protein (p.Val338Met). This variant is present in population databases (rs766511464, gnomAD 0.1%), and has an allele count higher than expected for a pathogenic variant. This variant has not been reported in the literature in individuals affected with FBLN1-related conditions. ClinVar contains an entry for this variant (Variation ID: 286989). An algorithm developed to predict the effect of missense changes on protein structure and function (PolyPhen-2) suggests that this variant is likely to be disruptive. In summary, the available evidence is currently insufficient to determine the role of this variant in disease. Therefore, it has been classified as a Variant of Uncertain Significance.

Ambry Genetics
Classification: Uncertain significance. Last evaluated: 2025-04-07. Review status: criteria provided, single submitter. Criteria: Ambry Variant Classification Scheme 2023. Collection method: clinical testing. Allele origin: germline.

Eurofins Ntd Llc (ga)
Classification: Uncertain significance. Last evaluated: 2016-04-07. Review status: criteria provided, single submitter. Criteria: EGL Classification Definitions 2015. Collection method: clinical testing. Allele origin: germline. Observed: 1 variant allele, 1 heterozygote.

PreventionGenetics, part of Exact Sciences
Classification: Likely benign for FBLN1-related condition. Last evaluated: 2023-07-24. Review status: no assertion criteria provided. Collection method: clinical testing. Allele origin: germline. Not counted in ClinVar's aggregate classification.
Comment: This variant is classified as likely benign based on ACMG/AMP sequence variant interpretation guidelines (Richards et al. 2015 PMID: 25741868, with internal and published modifications).

NM_006486.3(FBLN1):c.1012G>A (p.Val338Met)

Gene: FBLN1 (fibulin 1; plus strand). Cytogenetic location: 22q13.31.
Variant type: single nucleotide variant.
Coding change: c.1012G>A on transcript NM_006486.3 (MANE Select); coding-DNA position 1012, G replaced by A.
Protein change: p.Val338Met; replaces valine 338 with methionine.
Molecular consequence: missense variant.
Genome position (GRCh38, 1-based): chr22:45,541,318, G>A. VCF-style: chr22-45541318-G-A. GRCh37 (hg19) VCF-style: chr22-45937198-G-A.
Other names: c.1012G>A (NM_006486.2); c.1012G>A, p.Val338Met (NM_001996.4, NM_006485.4, NM_006487.3); short protein forms V338M.
Identifiers: ClinVar variation 286989 (VCV000286989.11), dbSNP rs766511464, ClinGen allele CA10286772.